The following is an entry in ClinVar:

NM_144508.5(KNL1):c.727A>G (p.Ile243Val)

Gene: KNL1 (kinetochore scaffold 1; plus strand). Cytogenetic location: 15q15.1.
Variant type: single nucleotide variant.
Coding change: c.727A>G on transcript NM_144508.5 (MANE Select); coding-DNA position 727, A replaced by G.
Protein change: p.Ile243Val; replaces isoleucine 243 with valine.
Molecular consequence: missense variant.
Genome position (GRCh38, 1-based): chr15:40,620,991, A>G. VCF-style: chr15-40620991-A-G. GRCh37 (hg19) VCF-style: chr15-40913189-A-G.
Other names: c.805A>G, p.Ile269Val (NM_170589.5); short protein forms I269V, I243V.
Identifiers: ClinVar variation 128607 (VCV000128607.16), dbSNP rs76371152, ClinGen allele CA152186.

ClinVar aggregate classification (germline): Benign/Likely benign. Review status: criteria provided, multiple submitters, no conflicts (2 of 4 stars). 4 submissions from 4 submitters: Benign (2); Likely benign (2). Last evaluated 2023-03-23.

Allele frequency attached by ClinVar (database versions not stated): gnomAD exomes 0.00151 and 0.00361; ExAC 0.00432; 1000 Genomes Project 0.01198; 1000 Genomes Project 30x 0.01312; ESP Exome Variant Server 0.01377; gnomAD 0.01397 and 0.01510; TOPMed 0.01637.
gnomAD v4.1: 4,437 of 1,604,072 alleles (0.28%); highest among the groups gnomAD compares: African/African-American, 5%; 111 homozygotes.

Submissions (4):

GeneDx
Classification: Likely benign. Last evaluated: 2023-03-23. Review status: criteria provided, single submitter. Criteria: GeneDx Variant Classification Process June 2021. Collection method: clinical testing. Allele origin: germline. Affected: yes.
Comment: See Variant Classification Assertion Criteria.

Labcorp Genetics (formerly Invitae), Labcorp
Classification: Benign. Last evaluated: 2019-12-31. Review status: criteria provided, single submitter. Criteria: Invitae Variant Classification Sherloc (09022015). Collection method: clinical testing. Allele origin: germline.

Genetic Services Laboratory, University of Chicago
Classification: Benign for AllHighlyPenetrant. Last evaluated: 2013-04-16. Review status: criteria provided, single submitter. Criteria: ACMG Guidelines, 2007. Collection method: clinical testing. Allele origin: germline. Inheritance: Autosomal recessive inheritance.

Breakthrough Genomics
Classification: Likely benign. Review status: criteria provided, single submitter. Criteria: ACMG Guidelines, 2015. Collection method: not provided. Allele origin: germline. Inheritance: Autosomal recessive inheritance. Affected: yes.